The following is an entry in ClinVar:

ClinVar aggregate classification (germline): Pathogenic/Likely pathogenic. Review status: criteria provided, multiple submitters, no conflicts (2 of 4 stars). 7 submissions from 7 submitters: Pathogenic (4); Likely pathogenic (2). 1 of the submissions does not count toward it. Last evaluated 2026-01-12.

Conditions:
FANCA-related disorders.
Fanconi anemia (FA). Also called: Fanconi's anemia. Identifiers: Orphanet 84, MedGen C0015625, MeSH D005199, MONDO:0019391.
Fanconi anemia complementation group A (FANCA). Also called: Fanconi anemia, group A; FANCA-Related Fanconi Anemia. Identifiers: Orphanet 84, MedGen C3469521, MONDO:0009215, OMIM 227650.

Allele frequency attached by ClinVar (database versions not stated): gnomAD exomes below 0.00001.
gnomAD v4.1: 3 of 1,614,114 alleles (0.00019%); highest among the groups gnomAD compares: Non-Finnish European, 0.00025%; no homozygotes.

Submissions (7):

Labcorp Genetics (formerly Invitae), Labcorp
Classification: Pathogenic for Fanconi anemia. Last evaluated: 2026-01-12. Review status: criteria provided, single submitter. Criteria: Invitae Variant Classification Sherloc (09022015). Collection method: clinical testing. Allele origin: germline.
Comment: This sequence change replaces arginine, which is basic and polar, with histidine, which is basic and polar, at codon 435 of the FANCA protein (p.Arg435His). This variant is not present in population databases (gnomAD no frequency). This missense change has been observed in individual(s) with Fanconi anemia (PMID: 19367192; internal data). In at least one individual the data is consistent with being in trans (on the opposite chromosome) from a pathogenic variant. ClinVar contains an entry for this variant (Variation ID: 408183). Invitae Evidence Modeling of protein sequence and biophysical properties (such as structural, functional, and spatial information, amino acid conservation, physicochemical variation, residue mobility, and thermodynamic stability) indicates that this missense variant is expected to disrupt FANCA protein function with a positive predictive value of 95%. Experimental studies have shown that this missense change affects FANCA function (PMID: 29098742). This variant disrupts the p.Arg435 amino acid residue in FANCA. Other variant(s) that disrupt this residue have been determined to be pathogenic (PMID: 10090479, 11739169, 12444097, 15523645). This suggests that this residue is clinically significant, and that variants that disrupt this residue are likely to be disease-causing. For these reasons, this variant has been classified as Pathogenic.

Natera, Inc.
Classification: Pathogenic for Fanconi anemia. Last evaluated: 2025-02-25. Review status: criteria provided, single submitter. Criteria: Natera Variant Classification Schema (03/2026). Collection method: clinical testing. Allele origin: germline.
Comment: The c.1304G>A variant in FANCA is a missense variant predicted to cause substitution of arginine to histidine at amino acid 435. This variant is rare in the general population with a frequency below the threshold expected for the associated phenotype(s). This variant has been observed in one or more individuals affected with the associated recessive disease, as either homozygous or compound heterozygous with a second variant (PMID: 29098742, 36894310, 34585473). Given the available evidence, this variant is classified as Pathogenic.

GeneDx
Classification: Pathogenic. Last evaluated: 2024-05-28. Review status: criteria provided, single submitter. Criteria: GeneDx Variant Classification Process June 2021. Collection method: clinical testing. Allele origin: germline. Affected: yes.
Comment: Published functional studies demonstrate a damaging effect with R435H cells showing reduced survival compared to wildtype (PMID: 29098742); Not observed at significant frequency in large population cohorts (gnomAD); This variant is associated with the following publications: (PMID: 29098742, 19367192, 33679882, 31259830, 34250406, 34585473, 36894310, 34422195)

Baylor Genetics
Classification: Pathogenic for Fanconi anemia complementation group A. Last evaluated: 2024-02-26. Review status: criteria provided, single submitter. Criteria: ACMG Guidelines, 2015. Collection method: clinical testing. Allele origin: unknown.

Blueprint Genetics
Classification: Likely pathogenic for FANCA-related disorders. Last evaluated: 2022-10-11. Review status: criteria provided, single submitter. Criteria: ACMG Guidelines, 2015. Collection method: clinical testing. Allele origin: germline. Affected: yes. Observed: 1 variant allele.

Sema4
Classification: Likely pathogenic for Fanconi anemia. Last evaluated: 2021-11-06. Review status: criteria provided, single submitter. Criteria: Sema4 Curation Guidelines. Collection method: curation. Allele origin: germline.
Comment: The FANCA c.1304G>A (p.R435H) variant has been reported in compound heterozygosity in at least 4 individuals and in homozygosity in 2 individuals with Fanconi anemia (PMID: 19367192, 29098742, 31259830, 33679882, 34422195, 34585473). It is also reported in 1 individual with hepatocellular carcinoma (PMID: 34250406). Functional studies have shown that the mutant protein mis-localizes to the cytoplasm (PMID: 29098742). This variant is not reported in the Genome Aggregation Database (PMID: 32461654). This variant has been reported in ClinVar (Variation ID: 408183). Two different missense change at this codon, c.1303C>T (p.R435C) and c.1304G>T (p.R435L), have been reported in individuals affected with Fanconi anemia (PMID: 9371798, 10090479, 15523645, 23613520). Based on the current evidence available, this variant is interpreted as likely pathogenic.

Leiden Open Variation Database
Classification: Pathogenic for Fanconi anemia complementation group A. Last evaluated: 2020-02-28. Review status: no assertion criteria provided. Collection method: curation. Allele origin: germline. Affected: yes. Not counted in ClinVar's aggregate classification.
Comment: Curator: Arleen D. Auerbach. Submitter to LOVD: Sue Richards.

Literature cited by the submitters: PubMed 19367192 (cited by 3 submitters); PubMed 29098742 (cited by 3 submitters); PubMed 10090479 (cited by Labcorp Genetics (formerly Invitae), Labcorp and Sema4); PubMed 11739169 (cited by Labcorp Genetics (formerly Invitae), Labcorp); PubMed 12444097 (cited by Labcorp Genetics (formerly Invitae), Labcorp); PubMed 15523645 (cited by Labcorp Genetics (formerly Invitae), Labcorp and Sema4); PubMed 36894310 (cited by Natera, Inc.); PubMed 34585473 (cited by Natera, Inc. and Sema4); PubMed 31259830 (cited by Sema4); PubMed 33679882 (cited by Sema4); PubMed 34422195 (cited by Sema4); PubMed 34250406 (cited by Sema4); PubMed 9371798 (cited by Sema4); PubMed 23613520 (cited by Sema4).

NM_000135.4(FANCA):c.1304G>A (p.Arg435His)

Gene: FANCA (FA complementation group A; minus strand). Cytogenetic location: 16q24.3.
Variant type: single nucleotide variant.
Coding change: c.1304G>A on transcript NM_000135.4 (MANE Select); coding-DNA position 1304, G replaced by A.
Protein change: p.Arg435His; replaces arginine 435 with histidine.
Molecular consequence: missense variant.
Genome position (GRCh38, 1-based): chr16:89,791,458, C>T on the plus strand (G>A on the coding strand, the complement: FANCA is on the minus strand). VCF-style: chr16-89791458-C-T. GRCh37 (hg19) VCF-style: chr16-89857866-C-T.
Other names: c.1304G>A, p.Arg435His (NM_001286167.3); c.1304G>A (LRG_495t1, NM_000135.3); short protein forms R435H.
Identifiers: ClinVar variation 408183 (VCV000408183.19), dbSNP rs1060501879, ClinGen allele CA16615049.